The following is an entry in ClinVar:

NM_001876.4(CPT1A):c.694-5A>G

Gene: CPT1A (carnitine palmitoyltransferase 1A; minus strand). Cytogenetic location: 11q13.3.
Variant type: single nucleotide variant.
Coding change: c.694-5A>G on transcript NM_001876.4 (MANE Select); 5 bases into the intron before coding-DNA position 694, A replaced by G.
Molecular consequence: intron variant.
Genome position (GRCh38, 1-based): chr11:68,796,938, T>C on the plus strand (A>G on the coding strand, the complement: CPT1A is on the minus strand). VCF-style: chr11-68796938-T-C. GRCh37 (hg19) VCF-style: chr11-68564406-T-C.
Other names: c.694-5A>G (NM_001031847.3).
Identifiers: ClinVar variation 726188 (VCV000726188.11), dbSNP rs533087846, ClinGen allele CA6152560.

ClinVar aggregate classification (germline): Likely benign. Review status: criteria provided, single submitter (1 of 4 stars). 2 submissions from 2 submitters: Likely benign (1). 1 of the submissions does not count toward it. Last evaluated 2024-08-14.

Conditions:
CPT1A-related disorder. Also called: CPT1A-related condition.
Carnitine palmitoyl transferase 1A deficiency. Also called: Carnitine palmitoyltransferase type I deficiency; Carnitine palmitoyltransferase 1A deficiency; CPT deficiency, hepatic, type IA; CPT I DEFICIENCY; CPT DEFICIENCY, HEPATIC, TYPE I. Identifiers: Orphanet 156, MedGen C1829703, MONDO:0009705, OMIM 255120.

Allele frequency attached by ClinVar (database versions not stated): gnomAD exomes 0.00001; ExAC 0.00002; gnomAD 0.00003; TOPMed 0.00003; 1000 Genomes Project 30x 0.00016; 1000 Genomes Project 0.00020.
gnomAD v4.1: 13 of 1,613,706 alleles (0.00081%); highest among the groups gnomAD compares: Middle Eastern, 0.12%; no homozygotes.

Submissions (2):

Labcorp Genetics (formerly Invitae), Labcorp
Classification: Likely benign for Carnitine palmitoyl transferase 1A deficiency. Last evaluated: 2024-08-14. Review status: criteria provided, single submitter. Criteria: Invitae Variant Classification Sherloc (09022015). Collection method: clinical testing. Allele origin: germline.

PreventionGenetics, part of Exact Sciences
Classification: Likely benign for CPT1A-related condition. Last evaluated: 2022-10-10. Review status: no assertion criteria provided. Collection method: clinical testing. Allele origin: germline. Not counted in ClinVar's aggregate classification.
Comment: This variant is classified as likely benign based on ACMG/AMP sequence variant interpretation guidelines (Richards et al. 2015 PMID: 25741868, with internal and published modifications).